The following is an entry in ClinVar:

ClinVar aggregate classification (germline): Uncertain significance (1 of 4 stars; one submission).

Submission:

GeneDx
Classification: Uncertain significance. Last evaluated: 2022-04-20. Review status: criteria provided, single submitter. Criteria: GeneDx Variant Classification Process June 2021. Collection method: clinical testing. Allele origin: germline. Affected: yes.
Comment: Has not been previously published as pathogenic or benign to our knowledge; Not observed at significant frequency in large population cohorts (gnomAD); In silico analysis supports that this missense variant has a deleterious effect on protein structure/function; Occurs in the triple helical domain at the Y position in the canonical Gly-X-Y repeat; although this variant may have an effect on normal protein folding and function, missense substitution at the Y position is not a common mechanism of disease

NM_001845.6(COL4A1):c.1886C>G (p.Pro629Arg)

Gene: COL4A1 (collagen type IV alpha 1 chain; minus strand). Cytogenetic location: 13q34.
Variant type: single nucleotide variant.
Coding change: c.1886C>G on transcript NM_001845.6 (MANE Select); coding-DNA position 1886, C replaced by G.
Protein change: p.Pro629Arg; replaces proline 629 with arginine.
Molecular consequence: missense variant.
Genome position (GRCh38, 1-based): chr13:110,186,396, G>C on the plus strand (C>G on the coding strand, the complement: COL4A1 is on the minus strand). VCF-style: chr13-110186396-G-C. GRCh37 (hg19) VCF-style: chr13-110838743-G-C.
Other names: short protein forms P629R.
Identifiers: ClinVar variation 1206883 (VCV001206883.5), dbSNP rs2139173188, ClinGen allele CA388722535.
Genomic context (GRCh38, chr13:110,186,396, plus strand): 5'-AACCTCCGTTTACAACTTCATGCTGCATCACGAGTTTCTCAGGCCTCACCTGGCAGGCCT[G>C]GGGATCCAGGGCCTCCAGGAAAGCCTGCTTGTCCTTTGTCACCAATGGGACCAGCAGGAC-3'
Protein context (NP_001836.3, residues 619-639): QAGFPGGPGS[Pro629Arg]GLPGPKGEPG